The following is an entry in ClinVar:

NM_033026.6(PCLO):c.5364G>A (p.Glu1788=)

Gene: PCLO (piccolo presynaptic cytomatrix protein; minus strand). Cytogenetic location: 7q21.11.
Variant type: single nucleotide variant.
Coding change: c.5364G>A on transcript NM_033026.6 (MANE Select); coding-DNA position 5364, G replaced by A.
Protein change: p.Glu1788=; no amino-acid change (glutamic acid 1788 retained).
Molecular consequence: synonymous variant.
Genome position (GRCh38, 1-based): chr7:82,955,589, C>T on the plus strand (G>A on the coding strand, the complement: PCLO is on the minus strand). VCF-style: chr7-82955589-C-T. GRCh37 (hg19) VCF-style: chr7-82584905-C-T.
Other names: c.5364G>A, p.Glu1788= (NM_014510.3); c.5364G>A (NM_033026.5).
Identifiers: ClinVar variation 2041423 (VCV002041423.8), dbSNP rs535389033, ClinGen allele CA4320663.
Genomic context (GRCh38, chr7:82,955,589, plus strand): 5'-CTTTGATTTTTTACTAGAACTCTTTCTTTGTTGCTGTTCTATTTCCCTCTGCTTTTCTTG[C>T]TCCTTTAATAATTCTTCTTCCTCTCTCAATTCTTCTTCCTCTGAAGAATCTTCAATAGTA-3'
Protein context (NP_149015.2, residues 1778-1798): ELREEEELLK[Glu1788=]QEKQREIEQQ

ClinVar aggregate classification (germline): Benign/Likely benign. Review status: criteria provided, multiple submitters, no conflicts (2 of 4 stars). 4 submissions from 4 submitters: Benign (1); Likely benign (2). 1 of the submissions does not count toward it. Last evaluated 2026-01-15.

Conditions:
PCLO-related disorder. Also called: PCLO-related condition.

Allele frequency attached by ClinVar (database versions not stated): TOPMed 0.00003; gnomAD 0.00010; gnomAD exomes 0.00027; ExAC 0.00053; 1000 Genomes Project 30x 0.00062; 1000 Genomes Project 0.00080.
gnomAD v4.1: 419 of 1,613,916 alleles (0.026%); highest among the groups gnomAD compares: South Asian, 0.41%; 3 homozygotes.

Submissions (4):

Labcorp Genetics (formerly Invitae), Labcorp
Classification: Benign. Last evaluated: 2026-01-15. Review status: criteria provided, single submitter. Criteria: Invitae Variant Classification Sherloc (09022015). Collection method: clinical testing. Allele origin: germline.

Women's Health and Genetics/Laboratory Corporation of America, LabCorp
Classification: Likely benign. Last evaluated: 2025-11-11. Review status: criteria provided, single submitter. Criteria: LabCorp Variant Classification Summary - May 2015. Collection method: clinical testing. Allele origin: germline.

Blueprint Genetics
Classification: Likely benign. Last evaluated: 2024-08-17. Review status: criteria provided, single submitter. Criteria: ACMG Guidelines, 2015. Collection method: clinical testing. Allele origin: germline.

PreventionGenetics, part of Exact Sciences
Classification: Likely benign for PCLO-related condition. Last evaluated: 2020-01-23. Review status: no assertion criteria provided. Collection method: clinical testing. Allele origin: germline. Not counted in ClinVar's aggregate classification.
Comment: This variant is classified as likely benign based on ACMG/AMP sequence variant interpretation guidelines (Richards et al. 2015 PMID: 25741868, with internal and published modifications).